The following is an entry in ClinVar:

NM_001372044.2(SHANK3):c.3398T>C (p.Leu1133Pro)

Gene: SHANK3 (SH3 and multiple ankyrin repeat domains 3; plus strand). Cytogenetic location: 22q13.33.
Variant type: single nucleotide variant.
Coding change: c.3398T>C on transcript NM_001372044.2 (MANE Select); coding-DNA position 3398, T replaced by C.
Protein change: p.Leu1133Pro; replaces leucine 1133 with proline.
Molecular consequence: missense variant.
Genome position (GRCh38, 1-based): chr22:50,721,006, T>C. VCF-style: chr22-50721006-T-C. GRCh37 (hg19) VCF-style: chr22-51159434-T-C.
Other names: c.3173T>C (NM_033517.1); short protein forms L1133P.
Identifiers: ClinVar variation 1699606 (VCV001699606.2), dbSNP rs2146830640, ClinGen allele CA515260904.

ClinVar aggregate classification (germline): Uncertain significance (1 of 4 stars; one submission).

Submission:

GeneDx
Classification: Uncertain significance. Last evaluated: 2022-01-27. Review status: criteria provided, single submitter. Criteria: GeneDx Variant Classification Process June 2021. Collection method: clinical testing. Allele origin: germline. Affected: yes.
Comment: Not observed at significant frequency in large population cohorts (gnomAD); In silico analysis supports that this missense variant has a deleterious effect on protein structure/function; Has not been previously published as pathogenic or benign to our knowledge